The following is an entry in ClinVar:

NM_001369268.1(ACAN):c.187G>A (p.Ala63Thr)

Gene: ACAN (aggrecan; plus strand). Cytogenetic location: 15q26.1.
Variant type: single nucleotide variant.
Coding change: c.187G>A on transcript NM_001369268.1 (MANE Select); coding-DNA position 187, G replaced by A.
Protein change: p.Ala63Thr; replaces alanine 63 with threonine.
Molecular consequence: missense variant.
Genome position (GRCh38, 1-based): chr15:88,838,779, G>A. VCF-style: chr15-88838779-G-A. GRCh37 (hg19) VCF-style: chr15-89382010-G-A.
Other names: c.187G>A, p.Ala63Thr (NM_001135.4, NM_001411096.1, NM_001411097.1 and 1 more transcripts); short protein forms A63T.
Identifiers: ClinVar variation 2074585 (VCV002074585.4), dbSNP rs749720584, ClinGen allele CA7719164.

ClinVar aggregate classification (germline): Uncertain significance (1 of 4 stars; one submission).

Allele frequency attached by ClinVar (database versions not stated): gnomAD 0.00002; ExAC 0.00004; gnomAD exomes 0.00006; 1000 Genomes Project 30x 0.00016.
gnomAD v4.1: 82 of 1,613,858 alleles (0.0051%); highest among the groups gnomAD compares: Middle Eastern, 0.017%; no homozygotes.

Submission:

Labcorp Genetics (formerly Invitae), Labcorp
Classification: Uncertain significance. Last evaluated: 2025-06-12. Review status: criteria provided, single submitter. Criteria: Invitae Variant Classification Sherloc (09022015). Collection method: clinical testing. Allele origin: germline.
Comment: This sequence change replaces alanine, which is neutral and non-polar, with threonine, which is neutral and polar, at codon 63 of the ACAN protein (p.Ala63Thr). This variant is present in population databases (rs749720584, gnomAD 0.006%). This variant has not been reported in the literature in individuals affected with ACAN-related conditions. ClinVar contains an entry for this variant (Variation ID: 2074585). Invitae Evidence Modeling of protein sequence and biophysical properties (such as structural, functional, and spatial information, amino acid conservation, physicochemical variation, residue mobility, and thermodynamic stability) indicates that this missense variant is not expected to disrupt ACAN protein function with a negative predictive value of 80%. In summary, the available evidence is currently insufficient to determine the role of this variant in disease. Therefore, it has been classified as a Variant of Uncertain Significance.